The following is an entry in ClinVar:

NM_005356.5(LCK):c.1527_*6TTGAGAGGCC[1] (p.Pro509_Ter(510_?)(?))

Gene: LCK (LCK proto-oncogene, Src family tyrosine kinase; plus strand). Cytogenetic location: 1p35.2.
Variant type: Microsatellite.
Molecular consequence: frameshift variant, no sequence alteration (on NM_005356.5).
Genome position: GRCh38 VCF-style: chr1-32285709-AGCCTTGAGAG-A. GRCh37 (hg19) VCF-style: chr1-32751310-AGCCTTGAGAG-A.
Other names: c.1527_*6TTGAGAGGCC[1], p.Pro509_Ter(510_?)(?) (NM_001042771.3, NM_005356.5); c.1374_*6TTGAGAGGCC[1], p.Pro458_Ter(459_?)(?) (NM_001330468.2).
Identifiers: ClinVar variation 2194196 (VCV002194196.2), dbSNP rs768820203, ClinGen allele CA741386.
Genomic context (GRCh38, chr1:32,285,709, plus strand): 5'-ACTACCTGCGCAGTGTGCTGGAGGACTTCTTCACGGCCACAGAGGGCCAGTACCAGCCTC[AGCCTTGAGAG>A]GCCTTGAGAGGCCCTGGGGTTCTCCCCCTTTCTCTCCAGCCTGACTTGGGGAGATGGAGT-3'

ClinVar aggregate classification (germline): Uncertain significance (1 of 4 stars; one submission).

Conditions:
Severe combined immunodeficiency due to LCK deficiency. Also called: Immunodeficiency 22. Identifiers: Orphanet 280142, MedGen C4014233, MONDO:0014334, OMIM 615758.

Submission:

Labcorp Genetics (formerly Invitae), Labcorp
Classification: Uncertain significance for Severe combined immunodeficiency due to LCK deficiency. Last evaluated: 2025-04-28. Review status: criteria provided, single submitter. Criteria: Invitae Variant Classification Sherloc (09022015). Collection method: clinical testing. Allele origin: germline.
Comment: This variant occurs in a non-coding region of the LCK gene. It does not change the encoded amino acid sequence of the LCK protein. This variant is present in population databases (rs776873810, gnomAD 0.01%). This variant has not been reported in the literature in individuals affected with LCK-related conditions. Experimental studies and prediction algorithms are not available or were not evaluated, and the functional significance of this variant is currently unknown. In summary, the available evidence is currently insufficient to determine the role of this variant in disease. Therefore, it has been classified as a Variant of Uncertain Significance.